The following is an entry in ClinVar:

ClinVar aggregate classification (germline): Uncertain significance. Review status: criteria provided, multiple submitters, no conflicts (2 of 4 stars). 2 submissions from 2 submitters: Uncertain significance (2). Last evaluated 2025-02-18.

Conditions:
DICER1-related tumor predisposition. Also called: DICER1-related pleuropulmonary blastoma cancer predisposition syndrome; DICER1 syndrome. Identifiers: Orphanet 284343, MedGen C3839822, MONDO:0100216.
Hereditary cancer-predisposing syndrome. Also called: Tumor predisposition; Neoplastic Syndromes, Hereditary; Hereditary Cancer Syndrome; Hereditary neoplastic syndrome. Identifiers: Orphanet 140162, MedGen C0027672, MeSH D009386, MONDO:0015356.

gnomAD v4.1: 1 of 1,613,556 alleles (0.000062%); highest among the groups gnomAD compares: Non-Finnish European, 0.000085%; no homozygotes.

Submissions (2):

Ambry Genetics
Classification: Uncertain significance for Hereditary cancer-predisposing syndrome. Last evaluated: 2025-02-18. Review status: criteria provided, single submitter. Criteria: Ambry Variant Classification Scheme 2023. Collection method: clinical testing. Allele origin: germline.
Comment: The p.R906L variant (also known as c.2717G>T), located in coding exon 16 of the DICER1 gene, results from a G to T substitution at nucleotide position 2717. The arginine at codon 906 is replaced by leucine, an amino acid with dissimilar properties. This amino acid position is conserved. In addition, the in silico prediction for this alteration is inconclusive. Based on the available evidence, the clinical significance of this variant remains unclear.

Labcorp Genetics (formerly Invitae), Labcorp
Classification: Uncertain significance for DICER1-related tumor predisposition. Last evaluated: 2022-02-18. Review status: criteria provided, single submitter. Criteria: Invitae Variant Classification Sherloc (09022015). Collection method: clinical testing. Allele origin: germline.
Comment: This sequence change replaces arginine, which is basic and polar, with leucine, which is neutral and non-polar, at codon 906 of the DICER1 protein (p.Arg906Leu). In summary, the available evidence is currently insufficient to determine the role of this variant in disease. Therefore, it has been classified as a Variant of Uncertain Significance. Algorithms developed to predict the effect of missense changes on protein structure and function are either unavailable or do not agree on the potential impact of this missense change (SIFT: "Tolerated"; PolyPhen-2: "Probably Damaging"; Align-GVGD: "Class C15"). ClinVar contains an entry for this variant (Variation ID: 477115). This variant has not been reported in the literature in individuals affected with DICER1-related conditions. This variant is not present in population databases (gnomAD no frequency).

NM_177438.3(DICER1):c.2717G>T (p.Arg906Leu)

Gene: DICER1 (dicer 1, ribonuclease III; minus strand). Cytogenetic location: 14q32.13.
Variant type: single nucleotide variant.
Coding change: c.2717G>T on transcript NM_177438.3 (MANE Select); coding-DNA position 2717, G replaced by T.
Protein change: p.Arg906Leu; replaces arginine 906 with leucine.
Molecular consequence: missense variant.
Genome position (GRCh38, 1-based): chr14:95,107,695, C>A on the plus strand (G>T on the coding strand, the complement: DICER1 is on the minus strand). VCF-style: chr14-95107695-C-A. GRCh37 (hg19) VCF-style: chr14-95574032-C-A.
Other names: c.2717G>T, p.Arg906Leu (NM_001195573.1, NM_001271282.3, NM_001291628.2 and 1 more transcripts); short protein forms R906L.
Identifiers: ClinVar variation 477115 (VCV000477115.11), dbSNP rs150510758, ClinGen allele CA390879591.